The following is an entry in ClinVar:

NM_018116.4(MSTO1):c.1433A>G (p.Tyr478Cys)

Gene: MSTO1 (misato mitochondrial distribution and morphology regulator 1; plus strand). Cytogenetic location: 1q22.
Variant type: single nucleotide variant.
Coding change: c.1433A>G on transcript NM_018116.4 (MANE Select); coding-DNA position 1433, A replaced by G.
Protein change: p.Tyr478Cys; replaces tyrosine 478 with cysteine.
Molecular consequence: missense variant. On other transcripts: synonymous variant (3), non-coding transcript variant (6).
Genome position (GRCh38, 1-based): chr1:155,613,701, A>G. VCF-style: chr1-155613701-A-G. GRCh37 (hg19) VCF-style: chr1-155583492-A-G.
Other names: c.1433A>G, p.Tyr478Cys (NM_001256532.1, NM_001256533.1, NM_001350772.1 and 1 more transcripts); c.1470A>G, p.Leu490= (NM_001350773.1, NM_001350774.1); c.1268A>G, p.Tyr423Cys (NM_001350776.1); c.902A>G, p.Tyr301Cys (NM_001350777.1, NM_001350778.1, NM_001350779.1); c.899A>G, p.Tyr300Cys (NM_001350780.1, NM_001350781.1, NM_001350782.1 and 2 more transcripts); c.890A>G, p.Tyr297Cys (NM_001350784.1, NM_001350785.1, NM_001350787.1 and 1 more transcripts); c.936A>G, p.Leu312= (NM_001350786.1); short protein forms Y297C, Y300C, Y301C, Y423C, Y478C.
Identifiers: ClinVar variation 977146 (VCV000977146.1), dbSNP rs1210628887, ClinGen allele CA342760344.

ClinVar aggregate classification (germline): Uncertain significance (1 of 4 stars; one submission).

Conditions:
Mitochondrial myopathy-cerebellar ataxia-pigmentary retinopathy syndrome. Also called: MYOPATHY, MITOCHONDRIAL, AND ATAXIA. Identifiers: Orphanet 502423, MedGen C4540096, MONDO:0044714, OMIM 617675.

Allele frequency attached by ClinVar (database versions not stated): TOPMed 0.00002.

Submission:

Broad Center for Mendelian Genomics, Broad Institute of MIT and Harvard
Classification: Uncertain significance for Mitochondrial myopathy-cerebellar ataxia-pigmentary retinopathy syndrome. Last evaluated: 2020-05-28. Review status: criteria provided, single submitter. Criteria: ACMG Guidelines, 2015. Collection method: research. Allele origin: germline. Inheritance: Autosomal recessive inheritance.
Comment: This variant has been reported in the literature in one affected individual, however the second allele was not detected (PMID: 31463572). This variant was absent from large population studies. In vitro functional studies provide some evidence that the p.Tyr478Cys variant may impact protein function (PMID: 31463572). However, these types of assays may not accurately represent biological function. Computational prediction tools and conservation analyses do not provide strong support for or against an impact to the protein. In summary, while there is some suspicion for a pathogenic role, the clinical significance of this variant is uncertain. ACMG/AMP Criteria applied: PM2, PS3_moderate (Richards 2015).

Literature cited by the submitters: PubMed 31463572.